The following is an entry in ClinVar:

ClinVar aggregate classification (germline): Likely pathogenic (1 of 4 stars; one submission).

Conditions:
Autosomal recessive spastic paraplegia type 78. Identifiers: Orphanet 513436, MedGen C5567893, MONDO:0014975, OMIM 617225.
Kufor-Rakeb syndrome (KRS). Also called: PARKINSON DISEASE 9, AUTOSOMAL RECESSIVE, JUVENILE-ONSET. Identifiers: Orphanet 306674, Orphanet 314632, MedGen C1847640, MONDO:0011706, OMIM 606693.

Submission:

Labcorp Genetics (formerly Invitae), Labcorp
Classification: Likely pathogenic for Kufor-Rakeb syndrome; Autosomal recessive spastic paraplegia type 78. Last evaluated: 2023-10-10. Review status: criteria provided, single submitter. Criteria: Invitae Variant Classification Sherloc (09022015). Collection method: clinical testing. Allele origin: germline.
Comment: This sequence change affects a donor splice site in intron 6 of the ATP13A2 gene. It is expected to disrupt RNA splicing. Variants that disrupt the donor or acceptor splice site typically lead to a loss of protein function (PMID: 16199547), and loss-of-function variants in ATP13A2 are known to be pathogenic (PMID: 16964263, 21696388). This variant is not present in population databases (gnomAD no frequency). This variant has not been reported in the literature in individuals affected with ATP13A2-related conditions. Algorithms developed to predict the effect of sequence changes on RNA splicing suggest that this variant may disrupt the consensus splice site. In summary, the currently available evidence indicates that the variant is pathogenic, but additional data are needed to prove that conclusively. Therefore, this variant has been classified as Likely Pathogenic.

Literature cited by the submitters: PubMed 16199547; PubMed 16964263; PubMed 21696388.

NM_022089.4(ATP13A2):c.557+1G>T

Gene: ATP13A2 (ATPase cation transporting 13A2; minus strand). Cytogenetic location: 1p36.13.
Variant type: single nucleotide variant.
Coding change: c.557+1G>T on transcript NM_022089.4 (MANE Select); the canonical splice donor site of the intron after coding-DNA position 557, G replaced by T.
Molecular consequence: splice donor variant.
Genome position (GRCh38, 1-based): chr1:17,004,331, C>A on the plus strand (G>T on the coding strand, the complement: ATP13A2 is on the minus strand). VCF-style: chr1-17004331-C-A. GRCh37 (hg19) VCF-style: chr1-17330826-C-A.
Other names: c.542+1G>T (NM_001141974.3, NM_001141973.3).
Identifiers: ClinVar variation 2952769 (VCV002952769.3), dbSNP rs1296471018, ClinGen allele CA338261325.
Genomic context (GRCh38, chr1:17,004,331, plus strand): 5'-CTGTGCCCAAACCAGTGCCACTCTGGGAGGTGACATGAGCCACACAGGCCCTGACTCCTA[C>A]CTGACCTGGTAGAAGGCTTGCTGGGTCTCGATCCAGATATAGCGCTGGCCCTGGAAGAGG-3'